The following is an entry in ClinVar:

NM_003072.5(SMARCA4):c.830C>T (p.Pro277Leu)

Gene: SMARCA4 (SWI/SNF related BAF chromatin remodeling complex subunit ATPase 4; plus strand). Cytogenetic location: 19p13.2.
Variant type: single nucleotide variant.
Coding change: c.830C>T on transcript NM_003072.5 (MANE Select); coding-DNA position 830, C replaced by T.
Protein change: p.Pro277Leu; replaces proline 277 with leucine.
Molecular consequence: missense variant. On other transcripts: non-coding transcript variant (1).
Genome position (GRCh38, 1-based): chr19:10,986,974, C>T. VCF-style: chr19-10986974-C-T. GRCh37 (hg19) VCF-style: chr19-11097650-C-T.
Other names: c.830C>T, p.Pro277Leu (NM_001128844.3, NM_001128845.2, NM_001128846.2 and 6 more transcripts); c.830C>T (NM_001128849.1); short protein forms P277L.
Identifiers: ClinVar variation 1719434 (VCV001719434.6), dbSNP rs2086109422, ClinGen allele CA404058086.
Genomic context (GRCh38, chr19:10,986,974, plus strand): 5'-GGCCCAACATGCCTCCCCCAGGACCCTCGGGCGTGCCCCCCGGGATGCCAGGCCAGCCTC[C>T]TGGAGGGCCTCCCAAGCCCTGGCCTGAAGGTGAGCTCCCTCTTCTATGGTGGTGCACCCG-3'
Protein context (NP_003063.2, residues 267-287): GVPPGMPGQP[Pro277Leu]GGPPKPWPEG

ClinVar aggregate classification (germline): Uncertain significance. Review status: criteria provided, multiple submitters, no conflicts (2 of 4 stars). 2 submissions from 2 submitters: Uncertain significance (2). Last evaluated 2025-04-21.

Conditions:
Hereditary cancer-predisposing syndrome. Also called: Hereditary neoplastic syndrome; Neoplastic Syndromes, Hereditary; Hereditary Cancer Syndrome; Tumor predisposition. Identifiers: Orphanet 140162, MedGen C0027672, MeSH D009386, MONDO:0015356.
Rhabdoid tumor predisposition syndrome 2 (RTPS2). Identifiers: Orphanet 231108, Orphanet 69077, MedGen C2750074, MONDO:0013224, OMIM 613325.

Allele frequency attached by ClinVar (database versions not stated): gnomAD exomes below 0.00001.
gnomAD v4.1: 1 of 1,607,992 alleles (0.000062%); highest among the groups gnomAD compares: East Asian, 0.0022%; no homozygotes.

Submissions (2):

Labcorp Genetics (formerly Invitae), Labcorp
Classification: Uncertain significance for Rhabdoid tumor predisposition syndrome 2. Last evaluated: 2025-04-21. Review status: criteria provided, single submitter. Criteria: Invitae Variant Classification Sherloc (09022015). Collection method: clinical testing. Allele origin: germline.
Comment: This sequence change replaces proline, which is neutral and non-polar, with leucine, which is neutral and non-polar, at codon 277 of the SMARCA4 protein (p.Pro277Leu). This variant is not present in population databases (gnomAD no frequency). This variant has not been reported in the literature in individuals affected with SMARCA4-related conditions. ClinVar contains an entry for this variant (Variation ID: 1719434). An algorithm developed to predict the effect of missense changes on protein structure and function (PolyPhen-2) suggests that this variant is likely to be tolerated. In summary, the available evidence is currently insufficient to determine the role of this variant in disease. Therefore, it has been classified as a Variant of Uncertain Significance.

Ambry Genetics
Classification: Uncertain significance for Hereditary cancer-predisposing syndrome. Last evaluated: 2025-04-20. Review status: criteria provided, single submitter. Criteria: Ambry Variant Classification Scheme 2023. Collection method: clinical testing. Allele origin: germline.
Comment: The p.P277L variant (also known as c.830C>T), located in coding exon 4 of the SMARCA4 gene, results from a C to T substitution at nucleotide position 830. The proline at codon 277 is replaced by leucine, an amino acid with similar properties. This amino acid position is conserved. In addition, this alteration is predicted to be tolerated by in silico analysis. Based on the available evidence, the clinical significance of this variant remains unclear.